The following is an entry in ClinVar:

ClinVar aggregate classification (germline): Uncertain significance (1 of 4 stars; one submission).

Conditions:
Early-infantile DEE. Also called: Ohtahara syndrome; Early infantile epileptic encephalopathy; Early infantile epileptic encephalopathy with suppression bursts. Identifiers: Orphanet 1934, MedGen C0393706, MONDO:0800491.

Submission:

Labcorp Genetics (formerly Invitae), Labcorp
Classification: Uncertain significance for Early-infantile DEE. Last evaluated: 2024-10-26. Review status: criteria provided, single submitter. Criteria: Invitae Variant Classification Sherloc (09022015). Collection method: clinical testing. Allele origin: germline.
Comment: This sequence change replaces asparagine, which is neutral and polar, with lysine, which is basic and polar, at codon 1747 of the SCN1A protein (p.Asn1747Lys). This variant is not present in population databases (gnomAD no frequency). This variant has not been reported in the literature in individuals affected with SCN1A-related conditions. ClinVar contains an entry for this variant (Variation ID: 1519829). Invitae Evidence Modeling of protein sequence and biophysical properties (such as structural, functional, and spatial information, amino acid conservation, physicochemical variation, residue mobility, and thermodynamic stability) indicates that this missense variant is not expected to disrupt SCN1A protein function with a negative predictive value of 95%. In summary, the available evidence is currently insufficient to determine the role of this variant in disease. Therefore, it has been classified as a Variant of Uncertain Significance.

NM_001165963.4(SCN1A):c.5241C>A (p.Asn1747Lys)

Genes: SCN1A (sodium voltage-gated channel alpha subunit 1; minus strand), LOC102724058 (uncharacterized LOC102724058; plus strand). Cytogenetic location: 2q24.3.
Variant type: single nucleotide variant.
Coding change: c.5241C>A on transcript NM_001165963.4 (MANE Select); coding-DNA position 5241, C replaced by A.
Protein change: p.Asn1747Lys; replaces asparagine 1747 with lysine.
Molecular consequence: missense variant. On other transcripts: non-coding transcript variant (1).
Genome position (GRCh38, 1-based): chr2:165,992,034, G>T on the plus strand (C>A on the coding strand, the complement: SCN1A is on the minus strand). VCF-style: chr2-165992034-G-T. GRCh37 (hg19) VCF-style: chr2-166848544-G-T.
Other names: c.5157C>A, p.Asn1719Lys (NM_001165964.3, NM_001353957.2, NM_001353958.2); c.5241C>A, p.Asn1747Lys (NM_001202435.3, NM_001353948.2); c.5208C>A, p.Asn1736Lys (NM_001353949.2, NM_001353950.2, NM_001353951.2 and 2 more transcripts); c.5205C>A, p.Asn1735Lys (NM_001353954.2, NM_001353955.2); c.5154C>A, p.Asn1718Lys (NM_001353960.2); c.2799C>A, p.Asn933Lys (NM_001353961.2); short protein forms N1735K, N933K, N1718K, N1747K, N1719K, N1736K.
Identifiers: ClinVar variation 1519829 (VCV001519829.7), dbSNP rs2105430589, ClinGen allele CA349068416.
Genomic context (GRCh38, chr2:165,992,034, plus strand): 5'-GACAAAAAAGAAAATTCCAACAGATGGGTTCCCACAGTCTCCCTTAACTGAGCTTCCAGG[G>T]TTAACTTTATTAGGGTCACAGTCGGGTGGCTTACTGTTGAGAATGGGTGCTAGCAATCCA-3'
Protein context (NP_001159435.1, residues 1737-1757): KPPDCDPNKV[Asn1747Lys]PGSSVKGDCG